The following is an entry in ClinVar:

NM_001127898.4(CLCN5):c.950C>A (p.Ala317Glu)

Gene: CLCN5 (Cl-/H+ antiporter 5; plus strand). Cytogenetic location: Xp11.23.
Variant type: single nucleotide variant.
Coding change: c.950C>A on transcript NM_001127898.4 (MANE Select); coding-DNA position 950, C replaced by A.
Protein change: p.Ala317Glu; replaces alanine 317 with glutamic acid.
Molecular consequence: missense variant.
Genome position (GRCh38, 1-based): chrX:50,085,996, C>A. VCF-style: chrX-50085996-C-A. GRCh37 (hg19) VCF-style: chrX-49850653-C-A.
Other names: c.740C>A, p.Ala247Glu (NM_000084.5); c.950C>A, p.Ala317Glu (NM_001127899.4); c.800C>A, p.Ala267Glu (NM_001282163.2); short protein forms A247E, A267E, A317E.
Identifiers: ClinVar variation 3235184 (VCV003235184.1), dbSNP rs2519431611.

ClinVar aggregate classification (germline): Uncertain significance (1 of 4 stars; one submission).

Conditions:
Dent disease type 1 (DENT1). Also called: NEPHROLITHIASIS 2; NEPHROLITHIASIS, HYPERCALCIURIC, X-LINKED. Identifiers: Orphanet 1652, Orphanet 93622, MedGen C1848336, MONDO:0010225, OMIM 300009.

Submission:

MVZ Medizinische Genetik Mainz
Classification: Uncertain significance for Dent disease type 1. Last evaluated: 2022-08-17. Review status: criteria provided, single submitter. Criteria: UK Practice Guidelines For Variant Classification V4 01 2020. Collection method: clinical testing. Allele origin: germline. Inheritance: X-linked dominant inheritance. Affected: yes. Observed: 1 variant allele.
Comment: ACMG Criteria: PM1_SUP, PM2_SUP, PP3 (ACMG Version 4)